The following is an entry in ClinVar:

NM_017646.6(TRIT1):c.739A>G (p.Met247Val)

Gene: TRIT1 (tRNA isopentenyltransferase 1; minus strand). Cytogenetic location: 1p34.2.
Variant type: single nucleotide variant.
Coding change: c.739A>G on transcript NM_017646.6 (MANE Select); coding-DNA position 739, A replaced by G.
Protein change: p.Met247Val; replaces methionine 247 with valine.
Molecular consequence: missense variant.
Genome position (GRCh38, 1-based): chr1:39,848,062, T>C on the plus strand (A>G on the coding strand, the complement: TRIT1 is on the minus strand). VCF-style: chr1-39848062-T-C. GRCh37 (hg19) VCF-style: chr1-40313734-T-C.
Other names: c.739A>G, p.Met247Val (NM_001312691.2); c.493A>G, p.Met165Val (NM_001312692.2); short protein forms M165V, M247V.
Identifiers: ClinVar variation 5017189 (VCV005017189.1).

ClinVar aggregate classification (germline): Uncertain significance (1 of 4 stars; one submission).

gnomAD v4.1: 2 of 1,614,180 alleles (0.00012%); highest among the groups gnomAD compares: South Asian, 0.0011%; no homozygotes.

Submission:

GeneDx
Classification: Uncertain significance. Last evaluated: 2026-03-31. Review status: criteria provided, single submitter. Criteria: GeneDx Variant Classification Process June 2021. Collection method: clinical testing. Allele origin: germline.
Comment: Not observed at significant frequency in large population cohorts (gnomAD); In silico analysis supports that this missense variant has a deleterious effect on protein structure/function; Has not been previously published as pathogenic or benign to our knowledge